The following is an entry in ClinVar:

NC_000003.11:g.(?_142168271)_(142180942_?)dup

Gene: ATR (ATR serine/threonine kinase; minus strand). Cytogenetic location: 3q23.
Variant type: Duplication.
Identifiers: ClinVar variation 1046629 (VCV001046629.5).

ClinVar aggregate classification (germline): Uncertain significance (1 of 4 stars; one submission).

Submission:

Labcorp Genetics (formerly Invitae), Labcorp
Classification: Uncertain significance. Last evaluated: 2022-07-06. Review status: criteria provided, single submitter. Criteria: Invitae Variant Classification Sherloc (09022015). Collection method: clinical testing. Allele origin: germline.
Comment: This variant results in a copy number gain of the genomic region encompassing exon(s) 42-47 of the ATR gene. This region includes the termination codon of the gene. This copy number gain extends beyond the assayed region for this gene and therefore may encompass additional genes. As the precise location of this event is unknown, it may be in tandem or it may be located elsewhere in the genome. This variant has not been reported in the literature in individuals affected with ATR-related conditions. Experimental studies and prediction algorithms are not available or were not evaluated, and the functional significance of this variant is currently unknown. In summary, the available evidence is currently insufficient to determine the role of this variant in disease. Therefore, it has been classified as a Variant of Uncertain Significance.